The following is an entry in ClinVar:

ClinVar aggregate classification (germline): Likely benign (1 of 4 stars; one submission).

Submission:

CeGaT Center for Human Genetics Tuebingen
Classification: Likely benign. Last evaluated: 2023-12-01. Review status: criteria provided, single submitter. Criteria: CeGaT Center For Human Genetics Tuebingen Variant Classification Criteria Version 2. Collection method: clinical testing. Allele origin: germline. Affected: yes. Observed: 1 variant allele.
Comment: ENSG00000236154: BS1

NC_000010.11:g.69575821_69575826del

Variant type: Deletion.
Genome position: GRCh38 VCF-style: chr10-69575818-CTCCTCT-C. GRCh37 (hg19) VCF-style: chr10-71335574-CTCCTCT-C.
Identifiers: ClinVar variation 3024698 (VCV003024698.22), dbSNP rs1195686613, ClinGen allele CA593850381.